The following is an entry in ClinVar:

NM_001110556.2(FLNA):c.4330G>T (p.Asp1444Tyr)

Gene: FLNA (filamin A; minus strand). Cytogenetic location: Xq28.
Variant type: single nucleotide variant.
Coding change: c.4330G>T on transcript NM_001110556.2 (MANE Select); coding-DNA position 4330, G replaced by T.
Protein change: p.Asp1444Tyr; replaces aspartic acid 1444 with tyrosine.
Molecular consequence: missense variant.
Genome position (GRCh38, 1-based): chrX:154,359,128, C>A on the plus strand (G>T on the coding strand, the complement: FLNA is on the minus strand). VCF-style: chrX-154359128-C-A. GRCh37 (hg19) VCF-style: chrX-153587496-C-A.
Other names: c.4330G>T, p.Asp1444Tyr (NM_001456.4); short protein forms D1444Y.
Identifiers: ClinVar variation 4789585 (VCV004789585.1).

ClinVar aggregate classification (germline): Uncertain significance (1 of 4 stars; one submission).

Conditions:
Heterotopia, periventricular, X-linked dominant (PVNH1). Also called: PERIVENTRICULAR NODULAR HETEROTOPIA 4; HETEROTOPIA, PERIVENTRICULAR, 1; PERIVENTRICULAR NODULAR HETEROTOPIA 1; X-linked periventricular heterotopia. Identifiers: Orphanet 2149, Orphanet 82004, MedGen C1848213, MONDO:0010233, OMIM 300049.
Oto-palato-digital syndrome, type II (OPD2). Also called: Otopalatodigital Syndrome, Type II; FACIOPALATOOSSEOUS SYNDROME; OPD II SYNDROME; Otopalatodigital Syndrome Type 2 (FLNA-OPD2). Identifiers: Orphanet 669, Orphanet 90652, MedGen C1844696, MONDO:0010571, OMIM 304120.
Melnick-Needles syndrome (MNS). Also called: MELNICK-NEEDLES OSTEODYSPLASTY; OSTEODYSPLASTY OF MELNICK AND NEEDLES; Melnick-Needles Syndrome (FLNA-MNS). Identifiers: Orphanet 2484, MedGen C0025237, MONDO:0010650, OMIM 309350.
Frontometaphyseal dysplasia (FMD1). Identifiers: Orphanet 1826, MedGen C0265293, MONDO:0015942.

Submission:

Labcorp Genetics (formerly Invitae), Labcorp
Classification: Uncertain significance for Oto-palato-digital syndrome, type II; Heterotopia, periventricular, X-linked dominant; Frontometaphyseal dysplasia; Melnick-Needles syndrome. Last evaluated: 2025-11-18. Review status: criteria provided, single submitter. Criteria: Invitae Variant Classification Sherloc (09022015). Collection method: clinical testing. Allele origin: germline.
Comment: This sequence change replaces aspartic acid, which is acidic and polar, with tyrosine, which is neutral and polar, at codon 1444 of the FLNA protein (p.Asp1444Tyr). This variant is not present in population databases (gnomAD no frequency). This variant has not been reported in the literature in individuals affected with FLNA-related conditions. Invitae Evidence Modeling of protein sequence and biophysical properties (such as structural, functional, and spatial information, amino acid conservation, physicochemical variation, residue mobility, and thermodynamic stability) indicates that this missense variant is not expected to disrupt FLNA protein function with a negative predictive value of 95%. Algorithms developed to predict the effect of sequence changes on RNA splicing suggest that this variant may disrupt the consensus splice site. In summary, the available evidence is currently insufficient to determine the role of this variant in disease. Therefore, it has been classified as a Variant of Uncertain Significance.